The following is an entry in ClinVar:

ClinVar aggregate classification (germline): Uncertain significance (1 of 4 stars; one submission).

Submission:

Labcorp Genetics (formerly Invitae), Labcorp
Classification: Uncertain significance. Last evaluated: 2023-06-20. Review status: criteria provided, single submitter. Criteria: Invitae Variant Classification Sherloc (09022015). Collection method: clinical testing. Allele origin: germline.
Comment: This sequence change replaces glycine, which is neutral and non-polar, with aspartic acid, which is acidic and polar, at codon 4530 of the HMCN1 protein (p.Gly4530Asp). This variant is not present in population databases (gnomAD no frequency). This variant has not been reported in the literature in individuals affected with HMCN1-related conditions. An algorithm developed to predict the effect of missense changes on protein structure and function (PolyPhen-2) suggests that this variant is likely to be disruptive. In summary, the available evidence is currently insufficient to determine the role of this variant in disease. Therefore, it has been classified as a Variant of Uncertain Significance.

NM_031935.3(HMCN1):c.13589G>A (p.Gly4530Asp)

Gene: HMCN1 (hemicentin 1; plus strand). Cytogenetic location: 1q31.1.
Variant type: single nucleotide variant.
Coding change: c.13589G>A on transcript NM_031935.3 (MANE Select); coding-DNA position 13589, G replaced by A.
Protein change: p.Gly4530Asp; replaces glycine 4530 with aspartic acid.
Molecular consequence: missense variant.
Genome position (GRCh38, 1-based): chr1:186,137,504, G>A. VCF-style: chr1-186137504-G-A. GRCh37 (hg19) VCF-style: chr1-186106636-G-A.
Other names: short protein forms G4530D.
Identifiers: ClinVar variation 2720109 (VCV002720109.3), dbSNP rs2528096381, ClinGen allele CA343911325.